The following is an entry in ClinVar:

ClinVar aggregate classification (germline): Uncertain significance (1 of 4 stars; one submission).

Submission:

GeneDx
Classification: Uncertain significance. Last evaluated: 2022-05-05. Review status: criteria provided, single submitter. Criteria: GeneDx Variant Classification Process June 2021. Collection method: clinical testing. Allele origin: germline. Affected: yes.
Comment: Not observed at significant frequency in large population cohorts (gnomAD); In silico analysis supports that this missense variant does not alter protein structure/function; Has not been previously published as pathogenic or benign to our knowledge

NM_152641.4(ARID2):c.2037A>C (p.Gln679His)

Gene: ARID2 (AT-rich interaction domain 2; plus strand). Cytogenetic location: 12q12.
Variant type: single nucleotide variant.
Coding change: c.2037A>C on transcript NM_152641.4 (MANE Select); coding-DNA position 2037, A replaced by C.
Protein change: p.Gln679His; replaces glutamine 679 with histidine.
Molecular consequence: missense variant.
Genome position (GRCh38, 1-based): chr12:45,850,160, A>C. VCF-style: chr12-45850160-A-C. GRCh37 (hg19) VCF-style: chr12-46243943-A-C.
Other names: c.2037A>C, p.Gln679His (NM_001347839.2); short protein forms Q679H.
Identifiers: ClinVar variation 1722887 (VCV001722887.2), dbSNP rs753697559, ClinGen allele CA384470512.